The following continues an entry in ClinVar:

NM_000540.3(RYR1):c.10348-6C>G

Gene: RYR1. ClinVar aggregate classification (germline): Pathogenic. Pathogenic (1).

Submissions 7 to 20 of 20:

Fulgent Genetics
Classification: Pathogenic for Central core myopathy; Malignant hyperthermia, susceptibility to, 1; Congenital multicore myopathy with external ophthalmoplegia; King Denborough syndrome. Last evaluated: 2024-05-08. Review status: criteria provided, single submitter. Criteria: ACMG Guidelines, 2015. Collection method: clinical testing. Allele origin: germline. Not counted in ClinVar's aggregate classification.

Muscle and Diseases Team, Institut de Génétique et Biologie Moléculaire et Cellulaire
Classification: Pathogenic for Centronuclear myopathy. Last evaluated: 2024-03-01. Review status: criteria provided, single submitter. Criteria: ACMG Guidelines, 2015. Collection method: research. Allele origin: unknown. Affected: yes. Observed: 1 variant allele. Not counted in ClinVar's aggregate classification.
Comment: PS3+PP1_Strong+PM2+PM3

Color Diagnostics, LLC DBA Color Health
Classification: Uncertain significance for Malignant hyperthermia, susceptibility to, 1. Last evaluated: 2023-11-01. Review status: criteria provided, single submitter. Criteria: ACMG Guidelines, 2015. Collection method: clinical testing. Allele origin: germline. Not counted in ClinVar's aggregate classification.
Comment: This variant causes a C to G nucleotide substitution at the -6 position of intron 68 of the RYR1 gene. To our knowledge, functional studies have not been reported for this variant. This variant has not been reported in individuals affected with RYR1-related disorders in the literature. This variant has been identified in 9/282854 chromosomes in the general population by the Genome Aggregation Database (gnomAD). This variant has not been reported in individuals affected with autosomal dominant malignant hyperthermia in the literature, although it is associated with other phenotype(s) (ClinVar variation ID: 132994). Due to insufficient evidence, this variant is classified as a Variant of Uncertain Significance for autosomal dominant malignant hyperthermia.

Division of Human Genetics, National Health Laboratory Service/University of the Witwatersrand
Classification: Pathogenic for RYR1-Related Disorders. Last evaluated: 2023-07-01. Review status: criteria provided, single submitter. Criteria: ACMG Guidelines, 2015. Collection method: research. Allele origin: unknown. Not counted in ClinVar's aggregate classification.

Laboratory for Molecular Medicine, Mass General Brigham Personalized Medicine
Classification: Pathogenic for Central core myopathy. Last evaluated: 2022-11-03. Review status: criteria provided, single submitter. Criteria: ACMG Guidelines, 2015. Collection method: clinical testing. Allele origin: germline. Not counted in ClinVar's aggregate classification.
Comment: The c.10348-6C>G variant in RYR1 has been reported in the compound heterozygous state in at least 11 individuals of African descent in cis with p.Val4842Met (suggesting it is a founder variant in Africans) and 2 Chilean individuals with congenital myopathy, and segregated with disease in 4 affected relatives from 2 families (Bharucha-Goebel 2013 PMID: 23553484, Wilmshurst 2010 PMID: 20839240, Monnier 2008 PMID: 18253926, Bevilacqua 2011 PMID: 21062345). It has been reported in ClinVar (Variation ID 132994) and has also been identified in 13/41476 of African chromosomes by gnomAD. In vitro functional studies (using patient tissue) showed that the c.10348-6C>G variant resulted in a loss of splicing of intron 68 and the introduction of a premature stop codon (p.His3449ins33fsX54). Both unspliced and spliced transcripts were present, thus indicating an incomplete penetrance of this intronic variation (Monnier 2008 PMID: 18253926, Bevilacqua 2011 PMID: 1062345). In summary, this variant meets criteria to be classified as pathogenic for autosomal recessive congenital myopathy. ACMG/AMP Criteria applied: PM2_Supporting, PS3_Supporting, PM3_Very strong, PP1.

Department of Pathology and Laboratory Medicine, Sinai Health System
Classification: Pathogenic for Congenital multicore myopathy with external ophthalmoplegia; Central core myopathy; King Denborough syndrome. Last evaluated: 2022-09-21. Review status: criteria provided, single submitter. Criteria: ACMG Guidelines, 2015. Collection method: research. Allele origin: germline. Not counted in ClinVar's aggregate classification.

HudsonAlpha Institute for Biotechnology
Classification: Pathogenic for Central core myopathy. Last evaluated: 2021-10-13. Review status: criteria provided, single submitter. Criteria: ACMG Guidelines, 2015. Collection method: research. Allele origin: paternal. Affected: yes. Observed: 1 compound heterozygote. Study: CSER-SouthSeq. Not counted in ClinVar's aggregate classification.
Comment: ACMG codes: PS3; PS4M; PM2; PM3; PP5

Broad Center for Mendelian Genomics, Broad Institute of MIT and Harvard
Classification: Pathogenic for King Denborough syndrome. Last evaluated: 2020-01-29. Review status: criteria provided, single submitter. Criteria: ACMG Guidelines, 2015. Collection method: curation. Allele origin: germline. Not counted in ClinVar's aggregate classification.
Comment: The c.10348-6C>G variant in RYR1 has been reported in at least 16 individuals of African descent in cis with p.Val4842Met (suggesting it is a founder variant in Africans) and 2 Chilean individuals with congenital myopathy, segregated with disease in 4 affected relatives from 2 families (PMID: 23553484, 20839240, 18253926, 21062345), and has been identified in 0.03204% (8/24966) of African chromosomes and 0.002822% (1/35438) of Latino chromosomes by the Genome Aggregation Database (gnomAD; dbSNP rs193922837). Although this variant has been seen in the general population, its frequency is low enough to be consistent with a recessive carrier frequency. This variant has also been reported pathogenic and likely pathogenic in ClinVar (Variation ID: 132994). In vitro functional studies provide some evidence that the c.10348-6C>G variant may slightly impact normal splicing and protein levels (PMID: 18253926, 21062345). However, these types of assays may not accurately represent biological function. Computational prediction tools, including splice predictors, and conservation analyses suggest that this variant may not impact the protein, though this information is not predictive enough to rule out pathogenicity. The presence of this variant in combination with loss of function variants and in at least 12 individuals with congenital myopathy increases the likelihood that the c.10348-6C>G variant is pathogenic (PMID: 23553484, 20839240, 18253926, 21062345). In summary, this variant meets criteria to be classified as pathogenic for congenital myopathy in an autosomal recessive manner based on multiple occurrences with loss of function variants in affected individuals and low prevalence in the general population. ACMG/AMP Criteria applied: PM3_VeryStrong, PM2, BP4, BP7, PP1, PS3_Supporting (Richards 2015).

CeGaT Center for Human Genetics Tuebingen
Classification: Pathogenic. Last evaluated: 2020-01-01. Review status: criteria provided, single submitter. Criteria: CeGaT Center For Human Genetics Tuebingen Variant Classification Criteria Version 2. Collection method: clinical testing. Allele origin: germline. Affected: yes. Observed: 1 variant allele. Not counted in ClinVar's aggregate classification.

Eurofins Ntd Llc (ga)
Classification: Pathogenic. Last evaluated: 2017-08-15. Review status: criteria provided, single submitter. Criteria: EGL Classification Definitions 2015. Collection method: clinical testing. Allele origin: germline. Observed: 4 variant alleles, 4 heterozygotes. Not counted in ClinVar's aggregate classification.

Ambry Genetics
Classification: Likely pathogenic for Inborn genetic diseases. Last evaluated: 2016-03-31. Review status: criteria provided, single submitter. Criteria: Ambry exome assertion method (8-5-2015). Collection method: clinical testing. Allele origin: germline. Affected: yes. Observed: 1 variant allele. Not counted in ClinVar's aggregate classification.

PreventionGenetics, part of Exact Sciences
Classification: Pathogenic. Last evaluated: 2015-09-15. Review status: criteria provided, single submitter. Criteria: ACMG Guidelines, 2015. Collection method: clinical testing. Allele origin: germline. Not counted in ClinVar's aggregate classification.

RYR1 database
No classification provided. Review status: no classification provided. Collection method: not provided. Allele origin: unknown. Not counted in ClinVar's aggregate classification.

All of Us Research Program, National Institutes of Health
Classification: Uncertain significance for Malignant hyperthermia, susceptibility to, 1. Last evaluated: 2023-11-20. Review status: flagged submission. Criteria: ACMG Guidelines, 2015. Collection method: clinical testing. Allele origin: germline. Inheritance: Autosomal dominant inheritance. Observed: 6 variant alleles, 6 heterozygotes. Not counted in ClinVar's aggregate classification.
Comment: This variant causes a C to G nucleotide substitution at the -6 position of intron 68 of the RYR1 gene. To our knowledge, functional studies have not been reported for this variant. This variant has not been reported in individuals affected with RYR1-related disorders in the literature. This variant has been identified in 9/282854 chromosomes in the general population by the Genome Aggregation Database (gnomAD). This variant has not been reported in individuals affected with autosomal dominant malignant hyperthermia in the literature, although it is associated with other phenotype(s) (ClinVar variation ID: 132994). The available evidence is insufficient to determine the role of this variant in disease conclusively. Therefore, this variant is classified as a Variant of Uncertain Significance.

This study involves interpretation of variants in research participants for the purpose of population health screening. Participant phenotype was not available at the time of variant classification. Additional details can be found in publication PMID: 35346344, PMCID: PMC8962531
ClinVar note: Reason: Outlier claim with insufficient supporting evidence

Literature cited by the submitters: PubMed 18253926 (cited by 6 submitters); PubMed 20839240 (cited by 3 submitters); PubMed 21062345 (cited by 5 submitters); PubMed 23553484 (cited by Rady Children's Institute for Genomic Medicine, Rady Children's Hospital San Diego and Broad Center for Mendelian Genomics, Broad Institute of MIT and Harvard); PubMed 28818389 (cited by 3 submitters); PubMed 35627144 (cited by Rady Children's Institute for Genomic Medicine, Rady Children's Hospital San Diego); PubMed 25525159 (cited by Rady Children's Institute for Genomic Medicine, Rady Children's Hospital San Diego); DOI 10.1186/s13073-024-01353-0 (cited by Muscle and Diseases Team, Institut de Génétique et Biologie Moléculaire et Cellulaire).